The following is an entry in ClinVar:

NM_001032283.3(TMPO):c.565+1774C>G

Gene: TMPO (thymopoietin; plus strand). Cytogenetic location: 12q23.1.
Variant type: single nucleotide variant.
Coding change: c.565+1774C>G on transcript NM_001032283.3 (MANE Select); 1774 bases into the intron after coding-DNA position 565, C replaced by G.
Molecular consequence: intron variant. On other transcripts: missense variant (1).
Genome position (GRCh38, 1-based): chr12:98,533,612, C>G. VCF-style: chr12-98533612-C-G. GRCh37 (hg19) VCF-style: chr12-98927390-C-G.
Other names: c.1355C>G, p.Pro452Arg (NM_003276.2); c.565+1774C>G (NM_001307975.2, NM_001032284.3); short protein forms P452R.
Identifiers: ClinVar variation 469127 (VCV000469127.11), dbSNP rs762576951, ClinGen allele CA386153021.

ClinVar aggregate classification (germline): Uncertain significance (1 of 4 stars; one submission).

Conditions:
Loeys-Dietz syndrome 2 (LDS2). Also called: TGFBR2-Related Loeys-Dietz Syndrome; AORTIC ANEURYSM, FAMILIAL THORACIC 3; MARFAN SYNDROME, TYPE II; Marfan syndrome, type 2 (formerly); Marfan Syndrome type 2; Marfan like connective tissue disorder. Identifiers: Orphanet 284973, Orphanet 558, MedGen C2674574, MONDO:0012427, OMIM 610168.

Allele frequency attached by ClinVar (database versions not stated): TOPMed below 0.00001.
gnomAD v4.1: 6 of 1,614,182 alleles (0.00037%); highest among the groups gnomAD compares: South Asian, 0.0044%; no homozygotes.

Submission:

Labcorp Genetics (formerly Invitae), Labcorp
Classification: Uncertain significance for Loeys-Dietz syndrome 2. Last evaluated: 2025-07-14. Review status: criteria provided, single submitter. Criteria: Invitae Variant Classification Sherloc (09022015). Collection method: clinical testing. Allele origin: germline.
Comment: This sequence change replaces proline, which is neutral and non-polar, with arginine, which is basic and polar, at codon 452 of the TMPO protein (p.Pro452Arg). This variant is present in population databases (no rsID available, gnomAD 0.003%). This variant has not been reported in the literature in individuals affected with TMPO-related conditions. ClinVar contains an entry for this variant (Variation ID: 469127). Invitae Evidence Modeling of protein sequence and biophysical properties (such as structural, functional, and spatial information, amino acid conservation, physicochemical variation, residue mobility, and thermodynamic stability) indicates that this missense variant is not expected to disrupt TMPO protein function with a negative predictive value of 80%. In summary, the available evidence is currently insufficient to determine the role of this variant in disease. Therefore, it has been classified as a Variant of Uncertain Significance.